The following is an entry in ClinVar:

NM_080605.4(B3GALT6):c.653A>T (p.Tyr218Phe)

Gene: B3GALT6 (beta-1,3-galactosyltransferase 6; plus strand). Cytogenetic location: 1p36.33.
Variant type: single nucleotide variant.
Coding change: c.653A>T on transcript NM_080605.4 (MANE Select); coding-DNA position 653, A replaced by T.
Protein change: p.Tyr218Phe; replaces tyrosine 218 with phenylalanine.
Molecular consequence: missense variant.
Genome position (GRCh38, 1-based): chr1:1,232,931, A>T. VCF-style: chr1-1232931-A-T. GRCh37 (hg19) VCF-style: chr1-1168311-A-T.
Other names: short protein forms Y218F.
Identifiers: ClinVar variation 4527617 (VCV004527617.1).

ClinVar aggregate classification (germline): Uncertain significance (1 of 4 stars; one submission).

Submission:

GeneDx
Classification: Uncertain significance. Last evaluated: 2025-05-01. Review status: criteria provided, single submitter. Criteria: GeneDx Variant Classification Process June 2021. Collection method: clinical testing. Allele origin: germline. Affected: yes.
Comment: In silico analysis supports that this missense variant has a deleterious effect on protein structure/function; Not observed at significant frequency in large population cohorts (gnomAD); This variant is associated with the following publications: (PMID: 32700771)